The following is an entry in ClinVar:

NM_181486.4(TBX5):c.901T>A (p.Ser301Thr)

Gene: TBX5 (T-box transcription factor 5; minus strand). Cytogenetic location: 12q24.21.
Variant type: single nucleotide variant.
Coding change: c.901T>A on transcript NM_181486.4 (MANE Select); coding-DNA position 901, T replaced by A.
Protein change: p.Ser301Thr; replaces serine 301 with threonine.
Molecular consequence: missense variant.
Genome position (GRCh38, 1-based): chr12:114,366,246, A>T on the plus strand (T>A on the coding strand, the complement: TBX5 is on the minus strand). VCF-style: chr12-114366246-A-T. GRCh37 (hg19) VCF-style: chr12-114804051-A-T.
Other names: c.901T>A, p.Ser301Thr (NM_000192.3); c.751T>A, p.Ser251Thr (NM_080717.4); short protein forms S251T, S301T.
Identifiers: ClinVar variation 1765512 (VCV001765512.3), dbSNP rs1407959111, ClinGen allele CA386926387.

ClinVar aggregate classification (germline): Uncertain significance. Review status: criteria provided, multiple submitters, no conflicts (2 of 4 stars). 2 submissions from 2 submitters: Uncertain significance (2). Last evaluated 2025-06-27.

Conditions:
Cardiovascular phenotype. Identifiers: MedGen CN230736.
Aortic valve disease 2 (AOVD2). Identifiers: MedGen C3542024, MONDO:0013902, OMIM 614823.

Allele frequency attached by ClinVar (database versions not stated): TOPMed 0.00001; gnomAD 0.00002.
gnomAD v4.1: 4 of 1,613,892 alleles (0.00025%); highest among the groups gnomAD compares: African/African-American, 0.004%; no homozygotes.

Submissions (2):

Labcorp Genetics (formerly Invitae), Labcorp
Classification: Uncertain significance for Aortic valve disease 2. Last evaluated: 2025-06-27. Review status: criteria provided, single submitter. Criteria: Invitae Variant Classification Sherloc (09022015). Collection method: clinical testing. Allele origin: germline.
Comment: This sequence change replaces serine, which is neutral and polar, with threonine, which is neutral and polar, at codon 301 of the TBX5 protein (p.Ser301Thr). This variant is present in population databases (no rsID available, gnomAD 0.03%), and has an allele count higher than expected for a pathogenic variant. This variant has not been reported in the literature in individuals affected with TBX5-related conditions. ClinVar contains an entry for this variant (Variation ID: 1765512). Invitae Evidence Modeling of protein sequence and biophysical properties (such as structural, functional, and spatial information, amino acid conservation, physicochemical variation, residue mobility, and thermodynamic stability) indicates that this missense variant is not expected to disrupt TBX5 protein function with a negative predictive value of 80%. In summary, the available evidence is currently insufficient to determine the role of this variant in disease. Therefore, it has been classified as a Variant of Uncertain Significance.

Ambry Genetics
Classification: Uncertain significance for Cardiovascular phenotype. Last evaluated: 2019-10-24. Review status: criteria provided, single submitter. Criteria: Ambry Variant Classification Scheme 2023. Collection method: clinical testing. Allele origin: germline.
Comment: The p.S301T variant (also known as c.901T>A), located in coding exon 7 of the TBX5 gene, results from a T to A substitution at nucleotide position 901. The serine at codon 301 is replaced by threonine, an amino acid with similar properties. This amino acid position is highly conserved in available vertebrate species. In addition, this alteration is predicted to be tolerated by in silico analysis. Since supporting evidence is limited at this time, the clinical significance of this alteration remains unclear.